The following is an entry in ClinVar:

ClinVar aggregate classification (germline): Uncertain significance (1 of 4 stars; one submission).

Submission:

Ambry Genetics
Classification: Uncertain significance. Last evaluated: 2023-05-04. Review status: criteria provided, single submitter. Criteria: Ambry Variant Classification Scheme 2023. Collection method: clinical testing. Allele origin: germline.
Comment: The p.T1084S variant (also known as c.3250A>T), located in coding exon 1 of the MLH3 gene, results from an A to T substitution at nucleotide position 3250. The threonine at codon 1084 is replaced by serine, an amino acid with similar properties. This amino acid position is conserved. In addition, the in silico prediction for this alteration is inconclusive. Since supporting evidence is limited at this time, the clinical significance of this alteration remains unclear.

NM_001040108.2(MLH3):c.3250A>T (p.Thr1084Ser)

Gene: MLH3 (mutL homolog 3; minus strand). Cytogenetic location: 14q24.3.
Variant type: single nucleotide variant.
Coding change: c.3250A>T on transcript NM_001040108.2 (MANE Select); coding-DNA position 3250, A replaced by T.
Protein change: p.Thr1084Ser; replaces threonine 1084 with serine.
Molecular consequence: missense variant.
Genome position (GRCh38, 1-based): chr14:75,046,406, T>A on the plus strand (A>T on the coding strand, the complement: MLH3 is on the minus strand). VCF-style: chr14-75046406-T-A. GRCh37 (hg19) VCF-style: chr14-75513109-T-A.
Other names: c.3250A>T, p.Thr1084Ser (NM_014381.3); short protein forms T1084S.
Identifiers: ClinVar variation 2563555 (VCV002563555.2), dbSNP rs2503250599, ClinGen allele CA390434336.